The following is an entry in ClinVar:

ClinVar aggregate classification (germline): Benign. Review status: criteria provided, multiple submitters, no conflicts (2 of 4 stars). 3 submissions from 3 submitters: Benign (2). 1 of the submissions does not count toward it. Last evaluated 2018-08-14.

Conditions:
MUC16-related disorder. Also called: MUC16-related condition.

Allele frequency attached by ClinVar (database versions not stated): gnomAD exomes 0.00238 and 0.00571; ExAC 0.00688; gnomAD 0.02175 and 0.02326; 1000 Genomes Project 0.02256; ESP Exome Variant Server 0.02266; 1000 Genomes Project 30x 0.02436; TOPMed 0.02467.

Submissions (5):

Labcorp Genetics (formerly Invitae), Labcorp
Classification: Benign. Last evaluated: 2018-08-14. Review status: criteria provided, single submitter. Criteria: Invitae Variant Classification Sherloc (09022015). Collection method: clinical testing. Allele origin: germline.

Breakthrough Genomics
Classification: Benign. Review status: criteria provided, single submitter. Criteria: ACMG Guidelines, 2015. Collection method: not provided. Allele origin: germline. Inheritance: Unknown mechanism. Affected: yes.

PreventionGenetics, part of Exact Sciences
Classification: Benign for MUC16-related condition. Last evaluated: 2019-10-01. Review status: no assertion criteria provided. Collection method: clinical testing. Allele origin: germline. Not counted in ClinVar's aggregate classification.
Comment: This variant is classified as benign based on ACMG/AMP sequence variant interpretation guidelines (Richards et al. 2015 PMID: 25741868, with internal and published modifications).

Dr. Peter K. Rogan Lab, Western University
No classification provided (evidence only). Condition: Acute myeloid leukemia. Review status: no classification provided. Collection method: in vitro. Allele origin: not applicable. Functional consequence: retained intron. Not counted in ClinVar's aggregate classification.

Dr. Peter K. Rogan Lab, Western University
No classification provided (evidence only). Condition: Uterine corpus endometrial carcinoma. Review status: no classification provided. Collection method: in vitro. Allele origin: not applicable. Functional consequence: retained intron. Not counted in ClinVar's aggregate classification.

NM_001401501.2(MUC16):c.5402A>G (p.Glu1801Gly)

Gene: MUC16 (mucin 16, cell surface associated; minus strand). Cytogenetic location: 19p13.2.
Variant type: single nucleotide variant.
Coding change: c.5402A>G on transcript NM_001401501.2 (MANE Select); coding-DNA position 5402, A replaced by G.
Protein change: p.Glu1801Gly; replaces glutamic acid 1801 with glycine.
Molecular consequence: missense variant.
Genome position (GRCh38, 1-based): chr19:8,975,857, T>C on the plus strand (A>G on the coding strand, the complement: MUC16 is on the minus strand). VCF-style: chr19-8975857-T-C. GRCh37 (hg19) VCF-style: chr19-9086533-T-C.
Other names: NC_000019.9:g.9086533T>C; c.5828A>G, p.Glu1943Gly (NM_001414686.1); c.5282A>G, p.Glu1761Gly (NM_001414687.1, NM_024690.2); short protein forms E1761G, E1801G, E1943G.
Identifiers: ClinVar variation 781433 (VCV000781433.7), dbSNP rs77183352, ClinGen allele CA9172670.